The following is an entry in ClinVar:

NM_006019.4(TCIRG1):c.1435G>A (p.Ala479Thr)

Gene: TCIRG1 (T cell immune regulator 1, ATPase H+ transporting V0 subunit a3; plus strand). Cytogenetic location: 11q13.2.
Variant type: single nucleotide variant.
Coding change: c.1435G>A on transcript NM_006019.4 (MANE Select); coding-DNA position 1435, G replaced by A.
Protein change: p.Ala479Thr; replaces alanine 479 with threonine.
Molecular consequence: missense variant.
Genome position (GRCh38, 1-based): chr11:68,047,776, G>A. VCF-style: chr11-68047776-G-A. GRCh37 (hg19) VCF-style: chr11-67815243-G-A.
Other names: c.541G>A, p.Ala181Thr (NM_001351059.2); c.787G>A, p.Ala263Thr (NM_006053.4); short protein forms A181T, A263T, A479T.
Identifiers: ClinVar variation 3347447 (VCV003347447.1).
Genomic context (GRCh38, chr11:68,047,776, plus strand): 5'-TTCATCTACAACGAGTGCTTCAGTCGCGCCACCAGCATCTTCCCCTCGGGCTGGAGTGTG[G>A]CCGCCATGGCCAACCAGTCTGGCTGGAGGTGAGGCCCGGGCCCCAGCCCGGCTGGGGGCC-3'
Protein context (NP_006010.2, residues 469-489): TSIFPSGWSV[Ala479Thr]AMANQSGWSD

ClinVar aggregate classification (germline): Uncertain significance (0 of 4 stars; one submission).

Conditions:
TCIRG1-related disorder. Also called: TCIRG1-related condition.

gnomAD v4.1: 4 of 1,612,972 alleles (0.00025%); highest among the groups gnomAD compares: Non-Finnish European, 0.00034%; no homozygotes.

Submission:

PreventionGenetics, part of Exact Sciences
Classification: Uncertain significance for TCIRG1-related condition. Last evaluated: 2024-06-25. Review status: no assertion criteria provided. Collection method: clinical testing. Allele origin: germline.
Comment: The TCIRG1 c.1435G>A variant is predicted to result in the amino acid substitution p.Ala479Thr. To our knowledge, this variant has not been reported in the literature or in a large population database, indicating it is rare. At this time, the clinical significance of this variant is uncertain due to the absence of conclusive functional and genetic evidence.